The following is an entry in ClinVar:

ClinVar aggregate classification (germline): Uncertain significance. Review status: criteria provided, multiple submitters, no conflicts (2 of 4 stars). 2 submissions from 2 submitters: Uncertain significance (2). Last evaluated 2025-06-18.

Conditions:
EGFR-related lung cancer (EGFR). Identifiers: MedGen CN130014.
Hereditary cancer-predisposing syndrome. Also called: Hereditary Cancer Syndrome; Hereditary neoplastic syndrome; Neoplastic Syndromes, Hereditary; Tumor predisposition. Identifiers: Orphanet 140162, MedGen C0027672, MeSH D009386, MONDO:0015356.

Allele frequency attached by ClinVar (database versions not stated): TOPMed below 0.00001; gnomAD 0.00001.
gnomAD v4.1: 4 of 1,614,080 alleles (0.00025%); highest among the groups gnomAD compares: Non-Finnish European, 0.00025%; no homozygotes.

Submissions (2):

Ambry Genetics
Classification: Uncertain significance for Hereditary cancer-predisposing syndrome. Last evaluated: 2025-06-18. Review status: criteria provided, single submitter. Criteria: Ambry Variant Classification Scheme 2023. Collection method: clinical testing. Allele origin: germline.
Comment: The p.A508G variant (also known as c.1523C>G), located in coding exon 13 of the EGFR gene, results from a C to G substitution at nucleotide position 1523. The alanine at codon 508 is replaced by glycine, an amino acid with similar properties. This amino acid position is conserved. In addition, this alteration is predicted to be tolerated by in silico analysis. Based on the available evidence, the clinical significance of this variant remains unclear.

Labcorp Genetics (formerly Invitae), Labcorp
Classification: Uncertain significance for EGFR-related lung cancer. Last evaluated: 2024-12-12. Review status: criteria provided, single submitter. Criteria: Invitae Variant Classification Sherloc (09022015). Collection method: clinical testing. Allele origin: germline.
Comment: This sequence change replaces alanine, which is neutral and non-polar, with glycine, which is neutral and non-polar, at codon 508 of the EGFR protein (p.Ala508Gly). This variant is not present in population databases (gnomAD no frequency). This variant has not been reported in the literature in individuals affected with EGFR-related conditions. ClinVar contains an entry for this variant (Variation ID: 1921774). Invitae Evidence Modeling of protein sequence and biophysical properties (such as structural, functional, and spatial information, amino acid conservation, physicochemical variation, residue mobility, and thermodynamic stability) indicates that this missense variant is not expected to disrupt EGFR protein function with a negative predictive value of 80%. In summary, the available evidence is currently insufficient to determine the role of this variant in disease. Therefore, it has been classified as a Variant of Uncertain Significance.

NM_005228.5(EGFR):c.1523C>G (p.Ala508Gly)

Gene: EGFR (epidermal growth factor receptor; plus strand). Cytogenetic location: 7p11.2.
Variant type: single nucleotide variant.
Coding change: c.1523C>G on transcript NM_005228.5 (MANE Select); coding-DNA position 1523, C replaced by G.
Protein change: p.Ala508Gly; replaces alanine 508 with glycine.
Molecular consequence: missense variant.
Genome position (GRCh38, 1-based): chr7:55,161,523, C>G. VCF-style: chr7-55161523-C-G. GRCh37 (hg19) VCF-style: chr7-55229216-C-G.
Other names: c.1388C>G, p.Ala463Gly (NM_001346897.2, NM_001346899.2); c.1523C>G, p.Ala508Gly (NM_001346898.2, NM_201282.2, NM_201284.2); c.1364C>G, p.Ala455Gly (NM_001346900.2); c.722C>G, p.Ala241Gly (NM_001346941.2); short protein forms A241G, A455G, A463G, A508G.
Identifiers: ClinVar variation 1921774 (VCV001921774.6), dbSNP rs1287531915, ClinGen allele CA367579816.
Genomic context (GRCh38, chr7:55,161,523, plus strand): 5'-TGTCACTGACTGCTGTGACCCACTCTGTCTCCGCAGAGGCCACAGGCCAGGTCTGCCATG[C>G]CTTGTGCTCCCCCGAGGGCTGCTGGGGCCCGGAGCCCAGGGACTGCGTCTCTTGCCGGAA-3'
Protein context (NP_005219.2, residues 498-518): SCKATGQVCH[Ala508Gly]LCSPEGCWGP